The following is an entry in ClinVar:

NM_017841.4(SDHAF2):c.13A>G (p.Thr5Ala)

Gene: SDHAF2 (succinate dehydrogenase complex assembly factor 2; plus strand). Cytogenetic location: 11q12.2.
Variant type: single nucleotide variant.
Coding change: c.13A>G on transcript NM_017841.4 (MANE Select); coding-DNA position 13, A replaced by G.
Protein change: p.Thr5Ala; replaces threonine 5 with alanine.
Molecular consequence: missense variant.
Genome position (GRCh38, 1-based): chr11:61,430,159, A>G. VCF-style: chr11-61430159-A-G. GRCh37 (hg19) VCF-style: chr11-61197631-A-G.
Other names: short protein forms T5A.
Identifiers: ClinVar variation 411610 (VCV000411610.23), dbSNP rs775763888, ClinGen allele CA057802.

ClinVar aggregate classification (germline): Conflicting classifications of pathogenicity. Review status: criteria provided, conflicting classifications (1 of 4 stars). 8 submissions from 8 submitters: Uncertain significance (6); Likely benign (2). Last evaluated 2026-08-04.

Conditions:
Hereditary cancer-predisposing syndrome. Also called: Hereditary Cancer Syndrome; Hereditary neoplastic syndrome; Neoplastic Syndromes, Hereditary; Tumor predisposition. Identifiers: Orphanet 140162, MedGen C0027672, MeSH D009386, MONDO:0015356.
Hereditary pheochromocytoma and paraganglioma. Also called: Hereditary Paraganglioma-Pheochromocytoma Syndromes; Hereditary paragangliomas and pheochromocytomas; Hereditary pheochromocytoma-paraganglioma. Identifiers: Orphanet 29072, MedGen C4274332, MONDO:0017366.
Pheochromocytoma/paraganglioma syndrome 2. Also called: GLOMUS TUMORS, FAMILIAL, 2; Paragangliomas 2; SDHAF2-Related Hereditary Paraganglioma-Pheochromocytoma Syndrome (Paragangliomas 2); SDHAF2-Related Hereditary Paraganglioma-Pheochromocytoma Syndrome. Identifiers: Orphanet 29072, MedGen C1866552, MONDO:0011121, OMIM 601650.
SDHAF2-related disorder. Also called: SDHAF2-related condition.

Allele frequency attached by ClinVar (database versions not stated): gnomAD exomes 0.00004; gnomAD 0.00006 and 0.00005; TOPMed 0.00003; ExAC 0.00006.
gnomAD v4.1: 87 of 1,614,064 alleles (0.0054%); highest among the groups gnomAD compares: African/African-American, 0.008%; no homozygotes.

Submissions (8):

Myriad Genetics, Inc.
Classification: Likely benign for Pheochromocytoma/paraganglioma syndrome 2. Last evaluated: 2026-08-04. Review status: criteria provided, single submitter. Criteria: Myriad Autosomal Dominant, Autosomal Recessive and X-Linked Classification Criteria (2023). Collection method: clinical testing. Allele origin: unknown.
Comment: This variant is considered likely benign. This variant has been observed at a population frequency that is significantly greater than expected given the associated disease prevalence and penetrance.

PreventionGenetics, part of Exact Sciences
Classification: Uncertain significance for SDHAF2-related condition. Last evaluated: 2026-03-24. Review status: criteria provided, single submitter. Criteria: ACMG Guidelines, 2015. Collection method: clinical testing. Allele origin: germline.
Comment: The SDHAF2 c.13A>G variant is predicted to result in the amino acid substitution p.Thr5Ala. To our knowledge, this variant has not been reported in the literature. This variant is reported in 0.0080% of alleles in individuals of African descent in gnomAD. This variant has conflicting interpretations in ClinVar ranging from uncertain to likely benign (Variation ID: 411610). At this time, the clinical significance of this variant is uncertain due to the absence of conclusive functional and genetic evidence.

Labcorp Genetics (formerly Invitae), Labcorp
Classification: Uncertain significance for Hereditary pheochromocytoma and paraganglioma. Last evaluated: 2025-11-24. Review status: criteria provided, single submitter. Criteria: Invitae Variant Classification Sherloc (09022015). Collection method: clinical testing. Allele origin: germline.
Comment: This sequence change replaces threonine, which is neutral and polar, with alanine, which is neutral and non-polar, at codon 5 of the SDHAF2 protein (p.Thr5Ala). This variant is present in population databases (rs775763888, gnomAD 0.008%). This variant has not been reported in the literature in individuals affected with SDHAF2-related conditions. ClinVar contains an entry for this variant (Variation ID: 411610). An algorithm developed to predict the effect of missense changes on protein structure and function outputs the following: PolyPhen-2: "Benign". The alanine amino acid residue is found in multiple mammalian species, which suggests that this missense change does not adversely affect protein function. In summary, the available evidence is currently insufficient to determine the role of this variant in disease. Therefore, it has been classified as a Variant of Uncertain Significance.

Quest Diagnostics Nichols Institute San Juan Capistrano
Classification: Uncertain significance. Last evaluated: 2025-03-20. Review status: criteria provided, single submitter. Criteria: Quest Diagnostics criteria. Collection method: clinical testing. Allele origin: unknown.
Comment: The SDHAF2 c.13A>G (p.Thr5Ala) variant has not been reported in individuals with SDHAF2-related conditions in the published literature. The frequency of this variant in the general population (Genome Aggregation Database) is uninformative in the assessment of its pathogenicity. Analysis of this variant using bioinformatics tools for the prediction of the effect of amino acid changes on protein structure and function yielded predictions that this variant is benign. Based on the available information, we are unable to determine the clinical significance of this variant.

Ambry Genetics
Classification: Likely benign for Hereditary cancer-predisposing syndrome. Last evaluated: 2024-01-05. Review status: criteria provided, single submitter. Criteria: Ambry Variant Classification Scheme 2023. Collection method: clinical testing. Allele origin: germline.

Color Diagnostics, LLC DBA Color Health
Classification: Uncertain significance for Hereditary pheochromocytoma and paraganglioma. Last evaluated: 2023-11-15. Review status: criteria provided, single submitter. Criteria: ACMG Guidelines, 2015. Collection method: clinical testing. Allele origin: germline.
Comment: This missense variant replaces threonine with alanine at codon 5 of the SDHAF2 protein. Computational prediction suggests that this variant may not impact protein structure and function. To our knowledge, functional studies have not been reported for this variant. This variant has not been reported in individuals affected with SDHAF2-related disorders in the literature. This variant has been identified in 11/282150 chromosomes in the general population by the Genome Aggregation Database (gnomAD). The available evidence is insufficient to determine the role of this variant in disease conclusively. Therefore, this variant is classified as a Variant of Uncertain Significance.

GeneDx
Classification: Uncertain significance. Last evaluated: 2023-06-06. Review status: criteria provided, single submitter. Criteria: GeneDx Variant Classification Process June 2021. Collection method: clinical testing. Allele origin: germline. Affected: yes.
Comment: Not observed at significant frequency in large population cohorts (gnomAD); In silico analysis supports that this missense variant does not alter protein structure/function; Has not been previously published as pathogenic or benign to our knowledge; This variant is associated with the following publications: (PMID: 27460824)

Eurofins Ntd Llc (ga)
Classification: Uncertain significance. Last evaluated: 2017-07-27. Review status: criteria provided, single submitter. Criteria: EGL Classification Definitions 2015. Collection method: clinical testing. Allele origin: germline. Observed: 1 variant allele, 1 heterozygote.